The following is an entry in ClinVar:

ClinVar aggregate classification (germline): Uncertain significance. Review status: criteria provided, multiple submitters, no conflicts (2 of 4 stars). 3 submissions from 3 submitters: Uncertain significance (3). Last evaluated 2024-11-21.

Conditions:
Dyskeratosis congenita. Identifiers: Orphanet 1775, MedGen C0265965, MONDO:0015780.
Pulmonary fibrosis and/or bone marrow failure, Telomere-related, 3. Also called: PULMONARY FIBROSIS AND/OR BONE MARROW FAILURE SYNDROME, TELOMERE-RELATED, 3. Identifiers: Orphanet 2032, MedGen C4225346, MONDO:0014613, OMIM 616373.
Dyskeratosis congenita, autosomal recessive 5 (DKCB5). Identifiers: MedGen C3554656, MONDO:0014076, OMIM 615190.

gnomAD v4.1: 8 of 1,612,280 alleles (0.0005%); highest among the groups gnomAD compares: Non-Finnish European, 0.00068%; no homozygotes.

Submissions (3):

Labcorp Genetics (formerly Invitae), Labcorp
Classification: Uncertain significance for Dyskeratosis congenita, autosomal recessive 5; Pulmonary fibrosis and/or bone marrow failure, Telomere-related, 3. Last evaluated: 2024-11-21. Review status: criteria provided, single submitter. Criteria: Invitae Variant Classification Sherloc (09022015). Collection method: clinical testing. Allele origin: germline.
Comment: This sequence change replaces arginine, which is basic and polar, with leucine, which is neutral and non-polar, at codon 754 of the RTEL1 protein (p.Arg754Leu). This variant is not present in population databases (gnomAD no frequency). This variant has not been reported in the literature in individuals affected with RTEL1-related conditions. ClinVar contains an entry for this variant (Variation ID: 1692614). An algorithm developed to predict the effect of missense changes on protein structure and function (PolyPhen-2) suggests that this variant is likely to be tolerated. In summary, the available evidence is currently insufficient to determine the role of this variant in disease. Therefore, it has been classified as a Variant of Uncertain Significance.

Blueprint Genetics
Classification: Uncertain significance. Last evaluated: 2024-06-03. Review status: criteria provided, single submitter. Criteria: ACMG Guidelines, 2015. Collection method: clinical testing. Allele origin: germline.

Sema4
Classification: Uncertain significance for Dyskeratosis congenita. Last evaluated: 2021-11-05. Review status: criteria provided, single submitter. Criteria: Sema4 Curation Guidelines. Collection method: curation. Allele origin: germline.
Comment: The RTEL1 c.2261G>T (p.R754L) variant has not been reported in the literature to our knowledge. It was not observed in the large and broad cohorts of the Genome Aggregation Database, and has not been reported in ClinVar. In silico tools suggest the impact of the variant on protein function is benign, though these predictions have not been confirmed by functional studies. The evidence is insufficient to meet ACMG/AMP criteria for classifying the variant as benign or pathogenic. Thus, the clinical significance of this variant is currently uncertain.

NM_001283009.2(RTEL1):c.2261G>T (p.Arg754Leu)

Genes: RTEL1 (regulator of telomere elongation helicase 1; plus strand), RTEL1-TNFRSF6B (RTEL1-TNFRSF6B readthrough (NMD candidate); plus strand). Cytogenetic location: 20q13.33.
Variant type: single nucleotide variant.
Coding change: c.2261G>T on transcript NM_001283009.2 (MANE Select); coding-DNA position 2261, G replaced by T.
Protein change: p.Arg754Leu; replaces arginine 754 with leucine.
Molecular consequence: missense variant. On other transcripts: non-coding transcript variant (1).
Genome position (GRCh38, 1-based): chr20:63,690,206, G>T. VCF-style: chr20-63690206-G-T. GRCh37 (hg19) VCF-style: chr20-62321559-G-T.
Other names: c.1592G>T, p.Arg531Leu (NM_001283010.1); c.2261G>T, p.Arg754Leu (NM_016434.4); c.2333G>T, p.Arg778Leu (NM_032957.5); short protein forms R531L, R754L, R778L.
Identifiers: ClinVar variation 1692614 (VCV001692614.4), dbSNP rs141423196, ClinGen allele CA409680020.